The following is an entry in ClinVar:

NM_004990.4(MARS1):c.294_295delinsCC (p.Ala99Pro)

Gene: MARS1 (methionyl-tRNA synthetase 1; plus strand). Cytogenetic location: 12q13.3.
Variant type: Indel.
Coding change: c.294_295delinsCC on transcript NM_004990.4 (MANE Select); coding-DNA positions 294 to 295, TG replaced by CC.
Protein change: p.Ala99Pro; replaces alanine 99 with proline.
Molecular consequence: missense variant.
Genome position (GRCh38, 1-based): chr12:57,489,438-57,489,439, TG replaced by CC. VCF-style: chr12-57489438-TG-CC. GRCh37 (hg19) VCF-style: chr12-57883221-TG-CC.
Other names: short protein forms A99P.
Identifiers: ClinVar variation 3751384 (VCV003751384.2).

ClinVar aggregate classification (germline): Uncertain significance (1 of 4 stars; one submission).

Conditions:
Severe early-onset pulmonary alveolar proteinosis due to MARS deficiency. Also called: PULMONARY ALVEOLAR PROTEINOSIS, REUNION ISLAND; Interstitial lung and liver disease. Identifiers: Orphanet 440427, MedGen C4225400, MONDO:0014206, OMIM 615486.
Charcot-Marie-Tooth disease axonal type 2U. Also called: CHARCOT-MARIE-TOOTH NEUROPATHY, TYPE 2U; CHARCOT-MARIE-TOOTH DISEASE, AXONAL, AUTOSOMAL DOMINANT, TYPE 2U. Identifiers: Orphanet 397735, MedGen C4084821, MONDO:0014566, OMIM 616280.

Submission:

Labcorp Genetics (formerly Invitae), Labcorp
Classification: Uncertain significance for Charcot-Marie-Tooth disease axonal type 2U; Severe early-onset pulmonary alveolar proteinosis due to MARS deficiency. Last evaluated: 2024-08-07. Review status: criteria provided, single submitter. Criteria: Invitae Variant Classification Sherloc (09022015). Collection method: clinical testing. Allele origin: germline.
Comment: This sequence change replaces alanine, which is neutral and non-polar, with proline, which is neutral and non-polar, at codon 99 of the MARS protein (p.Ala99Pro). Information on the frequency of this variant in the gnomAD database is not available, as this variant may be reported differently in the database. This variant has not been reported in the literature in individuals affected with MARS-related conditions. Experimental studies and prediction algorithms are not available or were not evaluated, and the functional significance of this variant is currently unknown. In summary, the available evidence is currently insufficient to determine the role of this variant in disease. Therefore, it has been classified as a Variant of Uncertain Significance.